The following is an entry in ClinVar:

NM_001031710.3(KLHL7):c.1379+3A>T

Gene: KLHL7 (kelch like family member 7; plus strand). Cytogenetic location: 7p15.3.
Variant type: single nucleotide variant.
Coding change: c.1379+3A>T on transcript NM_001031710.3 (MANE Select); 3 bases into the intron after coding-DNA position 1379, A replaced by T.
Molecular consequence: intron variant.
Genome position (GRCh38, 1-based): chr7:23,168,040, A>T. VCF-style: chr7-23168040-A-T. GRCh37 (hg19) VCF-style: chr7-23207659-A-T.
Other names: c.1235+3A>T (NM_018846.5).
Identifiers: ClinVar variation 1513171 (VCV001513171.6), dbSNP rs749932396, ClinGen allele CA4186596.

ClinVar aggregate classification (germline): Uncertain significance (1 of 4 stars; one submission).

Allele frequency attached by ClinVar (database versions not stated): gnomAD exomes below 0.00001; TOPMed below 0.00001; ExAC 0.00001.
gnomAD v4.1: 3 of 1,612,276 alleles (0.00019%); highest among the groups gnomAD compares: African/African-American, 0.004%; no homozygotes.

Submission:

Labcorp Genetics (formerly Invitae), Labcorp
Classification: Uncertain significance. Last evaluated: 2025-06-17. Review status: criteria provided, single submitter. Criteria: Invitae Variant Classification Sherloc (09022015). Collection method: clinical testing. Allele origin: germline.
Comment: This sequence change falls in intron 9 of the KLHL7 gene. It does not directly change the encoded amino acid sequence of the KLHL7 protein. It affects a nucleotide within the consensus splice site. This variant is present in population databases (rs749932396, gnomAD 0.007%). This variant has not been reported in the literature in individuals affected with KLHL7-related conditions. ClinVar contains an entry for this variant (Variation ID: 1513171). Variants that disrupt the consensus splice site are a relatively common cause of aberrant splicing (PMID: 17576681, 9536098). Algorithms developed to predict the effect of sequence changes on RNA splicing suggest that this variant may disrupt the consensus splice site. In summary, the available evidence is currently insufficient to determine the role of this variant in disease. Therefore, it has been classified as a Variant of Uncertain Significance.

Literature cited by the submitters: PubMed 17576681; PubMed 9536098.